The following is an entry in ClinVar:

ClinVar aggregate classification (germline): Benign/Likely benign. Review status: criteria provided, single submitter (1 of 4 stars). 3 submissions from 1 submitter: Benign (1); Likely benign (2). Last evaluated 2018-01-13.

Conditions:
Gastrointestinal stromal tumor. Also called: Gastrointestinal stroma tumor; Gastrointestinal stromal tumor, somatic. Identifiers: Orphanet 44890, MedGen C0238198, MeSH D046152, MONDO:0011719, OMIM 606764, HP:0100723.
Piebaldism. Also called: Piebald skin depigmentation. Identifiers: Orphanet 2884, MedGen C0080024, MONDO:0008244, OMIM 172800, HP:0007544.
Mastocytosis. Also called: Mast Cell Disease. Identifiers: Orphanet 98292, MedGen C0024899, MONDO:0007950, HP:0100495.

Allele frequency attached by ClinVar (database versions not stated): 1000 Genomes Project 30x 0.00406; gnomAD 0.00418 and 0.00394; TOPMed 0.00421; 1000 Genomes Project 0.00439; gnomAD exomes 0.00086.
gnomAD v4.1: 668 of 233,494 alleles (0.29%); highest among the groups gnomAD compares: African/African-American, 1.4%; 6 homozygotes.

Submissions (3):

Illumina Laboratory Services, Illumina
Classification: Likely benign for Piebaldism. Last evaluated: 2018-01-13. Review status: criteria provided, single submitter. Criteria: ICSL Variant Classification Criteria 13 December 2019. Collection method: clinical testing. Allele origin: germline.
Comment: This variant was observed in the ICSL laboratory as part of a predisposition screen in an ostensibly healthy population. It had not been previously curated by ICSL or reported in the Human Gene Mutation Database (HGMD: prior to June 1st, 2018), and was therefore a candidate for classification through an automated scoring system. Utilizing variant allele frequency, disease prevalence and penetrance estimates, and inheritance mode, an automated score was calculated to assess if this variant is too frequent to cause the disease. Based on the score and internal cut-off values, a variant classified as likely benign is not then subjected to further curation. The score for this variant resulted in a classification of likely benign for this disease.

Illumina Laboratory Services, Illumina
Classification: Likely benign for Gastrointestinal stromal tumor. Last evaluated: 2018-01-13. Review status: criteria provided, single submitter. Criteria: ICSL Variant Classification Criteria 13 December 2019. Collection method: clinical testing. Allele origin: germline.
Comment: the same text as in the submission from Illumina Laboratory Services, Illumina above.

Illumina Laboratory Services, Illumina
Classification: Benign for Cutaneous mastocytosis. Last evaluated: 2018-01-13. Review status: criteria provided, single submitter. Criteria: ICSL Variant Classification Criteria 13 December 2019. Collection method: clinical testing. Allele origin: germline.
Comment: This variant was observed in the ICSL laboratory as part of a predisposition screen in an ostensibly healthy population. It had not been previously curated by ICSL or reported in the Human Gene Mutation Database (HGMD: prior to June 1st, 2018), and was therefore a candidate for classification through an automated scoring system. Utilizing variant allele frequency, disease prevalence and penetrance estimates, and inheritance mode, an automated score was calculated to assess if this variant is too frequent to cause the disease. Based on the score and internal cut-off values, a variant classified as benign is not then subjected to further curation. The score for this variant resulted in a classification of benign for this disease.

NM_000222.3(KIT):c.*1220C>T

Gene: KIT (KIT proto-oncogene, receptor tyrosine kinase; plus strand). Cytogenetic location: 4q12.
Variant type: single nucleotide variant.
Coding change: c.*1220C>T on transcript NM_000222.3 (MANE Select); 1220 bases downstream of the stop codon, C replaced by T.
Molecular consequence: 3 prime UTR variant.
Genome position (GRCh38, 1-based): chr4:54,739,777, C>T. VCF-style: chr4-54739777-C-T. GRCh37 (hg19) VCF-style: chr4-55605943-C-T.
Other names: c.*1220C>T (NM_001093772.2, NM_001385284.1, NM_001385285.1 and 4 more transcripts).
Identifiers: ClinVar variation 903095 (VCV000903095.4), dbSNP rs56372445, ClinGen allele CA96884787.